The following is an entry in ClinVar:

NM_000293.3(PHKB):c.2898A>G (p.Gln966=)

Gene: PHKB (phosphorylase kinase regulatory subunit beta; plus strand). Cytogenetic location: 16q12.1.
Variant type: single nucleotide variant.
Coding change: c.2898A>G on transcript NM_000293.3 (MANE Select); coding-DNA position 2898, A replaced by G.
Protein change: p.Gln966=; no amino-acid change (glutamine 966 retained).
Molecular consequence: synonymous variant.
Genome position (GRCh38, 1-based): chr16:47,696,383, A>G. VCF-style: chr16-47696383-A-G. GRCh37 (hg19) VCF-style: chr16-47730294-A-G.
Other names: c.2877A>G, p.Gln959= (NM_001031835.3); c.2898A>G, p.Gln966= (NM_001363837.1).
Identifiers: ClinVar variation 1966830 (VCV001966830.3), dbSNP rs2506731651, ClinGen allele CA495361361.

ClinVar aggregate classification (germline): Uncertain significance (1 of 4 stars; one submission).

Conditions:
Glycogen storage disease IXb (GSD9B). Also called: GLYCOGENOSIS OF LIVER AND MUSCLE, AUTOSOMAL RECESSIVE; GSD IXb; PHOSPHORYLASE KINASE DEFICIENCY OF LIVER AND MUSCLE, AUTOSOMAL RECESSIVE. Identifiers: Orphanet 79240, MedGen C0543514, MONDO:0009868, OMIM 261750.

Allele frequency attached by ClinVar (database versions not stated): gnomAD exomes below 0.00001.
gnomAD v4.1: 2 of 1,579,936 alleles (0.00013%); highest among the groups gnomAD compares: Non-Finnish European, 0.00017%; no homozygotes.

Submissions (2):

Labcorp Genetics (formerly Invitae), Labcorp
Classification: Uncertain significance for Glycogen storage disease IXb. Last evaluated: 2022-07-26. Review status: criteria provided, single submitter. Criteria: Invitae Variant Classification Sherloc (09022015). Collection method: clinical testing. Allele origin: germline.
Comment: This sequence change affects codon 966 of the PHKB mRNA. It is a 'silent' change, meaning that it does not change the encoded amino acid sequence of the PHKB protein. This variant is not present in population databases (gnomAD no frequency). This variant has not been reported in the literature in individuals affected with PHKB-related conditions. Algorithms developed to predict the effect of sequence changes on RNA splicing suggest that this variant may create or strengthen a splice site. In summary, the available evidence is currently insufficient to determine the role of this variant in disease. Therefore, it has been classified as a Variant of Uncertain Significance.

Dr. Peter K. Rogan Lab, Western University
No classification provided (evidence only). Condition: Cervical cancer. Review status: no classification provided. Collection method: in vitro. Allele origin: not applicable. Functional consequence: retained intron. Not counted in ClinVar's aggregate classification.